The following is an entry in ClinVar:

ClinVar aggregate classification (germline): Pathogenic/Likely pathogenic. Review status: criteria provided, multiple submitters, no conflicts (2 of 4 stars). 4 submissions from 4 submitters: Pathogenic (1); Likely pathogenic (2). 1 of the submissions does not count toward it. Last evaluated 2019-08-12.

Conditions:
Aniridia 1 (AN1). Identifiers: Orphanet 250923, MedGen C0344542, MONDO:0024507, OMIM 106210.
PAX6-related disorder. Also called: PAX6-related disorders; PAX6-related condition.
Foveal hypoplasia 1. Also called: FOVEAL HYPOPLASIA 1 WITH OR WITHOUT ANTERIOR SEGMENT ANOMALIES AND/OR CATARACT; FOVEAL HYPOPLASIA 1 WITH ANTERIOR SEGMENT ANOMALIES. Identifiers: Orphanet 2253, MedGen C3805604, MONDO:0007628, OMIM 136520.

Submissions (4):

Blueprint Genetics
Classification: Likely pathogenic for PAX6-related disorders. Last evaluated: 2019-08-12. Review status: criteria provided, single submitter. Criteria: ACMG Guidelines, 2015. Collection method: clinical testing. Allele origin: germline. Affected: yes. Observed: 1 variant allele.

Laboratory of Medical Genetics, National & Kapodistrian University of Athens
Classification: Pathogenic for Aniridia 1. Last evaluated: 2018-07-04. Review status: criteria provided, single submitter. Criteria: ACMG Guidelines, 2015. Collection method: clinical testing. Allele origin: germline. Affected: yes.
Comment: PS4, PM1, PM2, PP3, PP4

Laboratoire de Génétique Moléculaire, CHU Bordeaux
Classification: Likely pathogenic. Review status: criteria provided, single submitter. Criteria: ACMG Guidelines, 2015. Collection method: clinical testing. Allele origin: germline. Affected: yes.

Wessex Regional Genetics Laboratory, Salisbury District Hospital
Classification: Likely pathogenic for Foveal hypoplasia 1. Last evaluated: 2019-08-15. Review status: no assertion criteria provided. Criteria: ACMG Guidelines, 2015. Collection method: clinical testing. Allele origin: inherited. Inheritance: Autosomal dominant inheritance. Affected: yes. Not counted in ClinVar's aggregate classification.

NM_001368894.2(PAX6):c.112C>G (p.Arg38Gly)

Gene: PAX6 (paired box 6; minus strand). Cytogenetic location: 11p13.
Variant type: single nucleotide variant.
Coding change: c.112C>G on transcript NM_001368894.2 (MANE Select); coding-DNA position 112, C replaced by G.
Protein change: p.Arg38Gly; replaces arginine 38 with glycine.
Molecular consequence: missense variant. On other transcripts: 5 prime UTR variant (12), non-coding transcript variant (2), intron variant (2).
Genome position (GRCh38, 1-based): chr11:31,802,733, G>C on the plus strand (C>G on the coding strand, the complement: PAX6 is on the minus strand). VCF-style: chr11-31802733-G-C. GRCh37 (hg19) VCF-style: chr11-31824281-G-C.
Other names: c.112C>G, p.Arg38Gly (NM_000280.6, NM_001127612.3, NM_001258462.3 and 30 more transcripts); c.-670C>G (NM_001310160.2, NM_001368905.2); c.-339C>G (NM_001310161.3, NM_001368900.2, NM_001368903.2 and 2 more transcripts); c.-297C>G (NM_001368899.2, NM_001368901.2, NM_001368906.2 and 1 more transcripts); c.-628C>G (NM_001368902.2); c.355C>G, p.Arg119Gly (NM_001368910.2); c.115C>G, p.Arg39Gly (NM_001368911.2); c.-267-957C>G (NM_001368909.2, NM_001368904.2); short protein forms R38G, R119G, R39G.
Identifiers: ClinVar variation 637045 (VCV000637045.6), dbSNP rs397514640, ClinGen allele CA379959519.